The following is an entry in ClinVar:

ClinVar aggregate classification (germline): Pathogenic (1 of 4 stars; one submission).

Submission:

Labcorp Genetics (formerly Invitae), Labcorp
Classification: Pathogenic. Last evaluated: 2025-03-16. Review status: criteria provided, single submitter. Criteria: Invitae Variant Classification Sherloc (09022015). Collection method: clinical testing. Allele origin: germline.
Comment: This sequence change creates a premature translational stop signal (p.Pro989Hisfs*18) in the TET2 gene. It is expected to result in an absent or disrupted protein product. Loss-of-function variants in TET2 are known to be pathogenic (PMID: 36066697). This variant is not present in population databases (gnomAD no frequency). This variant has not been reported in the literature in individuals affected with TET2-related conditions. For these reasons, this variant has been classified as Pathogenic.

Literature cited by the submitters: PubMed 36066697.

NM_001127208.3(TET2):c.2966del (p.Pro989fs)

Genes: TET2 (tet methylcytosine dioxygenase 2; plus strand), TET2-AS1 (TET2 antisense RNA 1; minus strand). Cytogenetic location: 4q24.
Variant type: Deletion.
Coding change: c.2966del on transcript NM_001127208.3 (MANE Select); coding-DNA position 2966, one base deleted (C; older notation c.2966delC).
Protein change: p.Pro989fs; shifts the reading frame from proline 989.
Molecular consequence: frameshift variant.
Genome position (GRCh38, 1-based): chr4:105,236,908, C deleted; the last of 2 consecutive C bases (chr4:105,236,907-105,236,908); deleting either gives the same sequence. VCF-style (leftmost placement, unchanged base first): chr4-105236906-GC-G. GRCh37 (hg19) VCF-style: chr4-106158063-GC-G.
Other names: c.2966del, p.Pro989fs (NM_017628.4); short protein forms P989fs.
Identifiers: ClinVar variation 4715235 (VCV004715235.1).
Genomic context (GRCh38, chr4:105,236,906, plus strand): 5'-CCAAACTGAGTCTTGCCATAGTCAGATGCACAGGCCAATTAAGGTGGAACCTGGATGCAA[GC>G]CACATGCCTGTATGCACACAGCACCACCAGAAAACAAAACATGGAAAAAGGTAACTAAGC-3'